The following is an entry in ClinVar:

NM_000155.4(GALT):c.719_728del (p.Leu240fs)

Gene: GALT (galactose-1-phosphate uridylyltransferase; plus strand). Cytogenetic location: 9p13.3.
Variant type: Deletion.
Coding change: c.719_728del on transcript NM_000155.4 (MANE Select); coding-DNA positions 719 to 728, 10 bases deleted (TAGTACTGGT; older notation c.719_728delTAGTACTGGT).
Protein change: p.Leu240fs; shifts the reading frame from leucine 240.
Molecular consequence: frameshift variant.
Genome position (GRCh38, 1-based): chr9:34,648,793-34,648,802, TAGTACTGGT deleted; deleting any 10 consecutive bases within chr9:34,648,787-34,648,802 gives the same sequence; the c. name uses the placement nearest the transcript's 3' end. VCF-style (leftmost placement, unchanged base first): chr9-34648786-CACTGGTTAGT-C. GRCh37 (hg19) VCF-style: chr9-34648783-CACTGGTTAGT-C.
Other names: p.Leu240Serfs*25; c.719_728delTAGTACTGGT (NM_000155.3); c.392_401del, p.Leu131fs (NM_001258332.2); short protein forms L131fs, L240fs.
Identifiers: ClinVar variation 2180399 (VCV002180399.7), dbSNP rs111033838, ClinGen allele CA259483.

ClinVar aggregate classification (germline): Pathogenic/Likely pathogenic. Review status: criteria provided, multiple submitters, no conflicts (2 of 4 stars). 4 submissions from 4 submitters: Pathogenic (3); Likely pathogenic (1). Last evaluated 2025-10-29.

Conditions:
Galactosemia. Also called: Galactose intolerance. Identifiers: Orphanet 352, MedGen C0016952, MONDO:0018116, HP:0004919. Disease mechanism: loss of function.
Deficiency of UDPglucose-hexose-1-phosphate uridylyltransferase. Also called: GALACTOSE-1-PHOSPHATE URIDYLYLTRANSFERASE DEFICIENCY; GALT deficiency; Galactosemia, classic; Transferase Deficiency Galactosemia; GALACTOSEMIA I. Identifiers: Orphanet 352, Orphanet 79239, MedGen C0268151, MONDO:0009258, OMIM 230400.

Submissions (4):

Natera, Inc.
Classification: Pathogenic for Galactosemia. Last evaluated: 2025-10-29. Review status: criteria provided, single submitter. Criteria: Natera Variant Classification Schema (03/2026). Collection method: clinical testing. Allele origin: germline.
Comment: The c.719_728delTAGTACTGGT variant in GALT is a frameshift variant predicted to shift the reading frame beginning at codon 240 and leads to a stop codon 25 codons downstream. This variant is expected to result in nonsense mediated decay, truncation, or a dysfunctional protein product. This variant is rare in the general population with a frequency below the threshold expected for the associated phenotype(s). This variant has been observed in one or more individuals affected with the associated recessive disease, as either homozygous or compound heterozygous with a second variant (PMID: 39440457). Given the available evidence, this variant is classified as Pathogenic.

Labcorp Genetics (formerly Invitae), Labcorp
Classification: Pathogenic for Deficiency of UDPglucose-hexose-1-phosphate uridylyltransferase. Last evaluated: 2025-03-13. Review status: criteria provided, single submitter. Criteria: Invitae Variant Classification Sherloc (09022015). Collection method: clinical testing. Allele origin: germline.
Comment: This sequence change creates a premature translational stop signal (p.Leu240Serfs*25) in the GALT gene. It is expected to result in an absent or disrupted protein product. Loss-of-function variants in GALT are known to be pathogenic (PMID: 22944367). This variant is not present in population databases (gnomAD no frequency). This variant has not been reported in the literature in individuals affected with GALT-related conditions. ClinVar contains an entry for this variant (Variation ID: 2180399). For these reasons, this variant has been classified as Pathogenic.

Baylor Genetics
Classification: Likely pathogenic for Deficiency of UDPglucose-hexose-1-phosphate uridylyltransferase. Last evaluated: 2023-02-04. Review status: criteria provided, single submitter. Criteria: ACMG Guidelines, 2015. Collection method: clinical testing. Allele origin: unknown.

Mayo Clinic Laboratories, Mayo Clinic
Classification: Pathogenic. Last evaluated: 2022-09-02. Review status: criteria provided, single submitter. Criteria: ACMG Guidelines, 2015. Collection method: clinical testing. Allele origin: germline. Observed: 1 variant allele.
Comment: PP4, PM2, PVS1

Literature cited by the submitters: PubMed 39440457 (cited by Natera, Inc.); PubMed 22944367 (cited by Labcorp Genetics (formerly Invitae), Labcorp).